The following is an entry in ClinVar:

ClinVar aggregate classification (germline): Uncertain significance (1 of 4 stars; one submission).

Submission:

Labcorp Genetics (formerly Invitae), Labcorp
Classification: Uncertain significance. Last evaluated: 2023-12-14. Review status: criteria provided, single submitter. Criteria: Invitae Variant Classification Sherloc (09022015). Collection method: clinical testing. Allele origin: germline.
Comment: This sequence change replaces glycine, which is neutral and non-polar, with serine, which is neutral and polar, at codon 921 of the CYFIP2 protein (p.Gly921Ser). This variant is not present in population databases (gnomAD no frequency). This variant has not been reported in the literature in individuals affected with CYFIP2-related conditions. Experimental studies and prediction algorithms are not available or were not evaluated, and the functional significance of this variant is currently unknown. In summary, the available evidence is currently insufficient to determine the role of this variant in disease. Therefore, it has been classified as a Variant of Uncertain Significance.

NM_001037333.3(CYFIP2):c.2761G>A (p.Gly921Ser)

Gene: CYFIP2 (cytoplasmic FMR1 interacting protein 2; plus strand). Cytogenetic location: 5q33.3.
Variant type: single nucleotide variant.
Coding change: c.2761G>A on transcript NM_001037333.3 (MANE Select); coding-DNA position 2761, G replaced by A.
Protein change: p.Gly921Ser; replaces glycine 921 with serine.
Molecular consequence: missense variant.
Genome position (GRCh38, 1-based): chr5:157,359,092, G>A. VCF-style: chr5-157359092-G-A. GRCh37 (hg19) VCF-style: chr5-156786100-G-A.
Other names: c.2683G>A, p.Gly895Ser (NM_001291721.2); c.2836G>A, p.Gly946Ser (NM_001291722.2); c.2761G>A, p.Gly921Ser (NM_014376.4); short protein forms G895S, G921S, G946S.
Identifiers: ClinVar variation 2792501 (VCV002792501.3), dbSNP rs2532568671, ClinGen allele CA361976824.